The following is an entry in ClinVar:

NM_000548.5(TSC2):c.1828A>G (p.Ile610Val)

Gene: TSC2 (TSC complex subunit 2; plus strand). Cytogenetic location: 16p13.3.
Variant type: single nucleotide variant.
Coding change: c.1828A>G on transcript NM_000548.5 (MANE Select); coding-DNA position 1828, A replaced by G.
Protein change: p.Ile610Val; replaces isoleucine 610 with valine.
Molecular consequence: missense variant.
Genome position (GRCh38, 1-based): chr16:2,070,567, A>G. VCF-style: chr16-2070567-A-G. GRCh37 (hg19) VCF-style: chr16-2120568-A-G.
Other names: c.1828A>G, p.Ile610Val (NM_001077183.3, NM_001114382.3, NM_001363528.2 and 3 more transcripts); c.1717A>G, p.Ile573Val (NM_001318827.2); c.1681A>G, p.Ile561Val (NM_001318829.2); c.1228A>G, p.Ile410Val (NM_001318831.2); c.1861A>G, p.Ile621Val (NM_001318832.2); short protein forms I610V, I621V, I410V, I573V, I561V.
Identifiers: ClinVar variation 486600 (VCV000486600.18), dbSNP rs1285778253, ClinGen allele CA394273002.

ClinVar aggregate classification (germline): Conflicting classifications of pathogenicity. Review status: criteria provided, conflicting classifications (1 of 4 stars). 5 submissions from 5 submitters: Uncertain significance (3); Benign (1); Likely benign (1). Last evaluated 2025-12-11.

Conditions:
Tuberous sclerosis syndrome (TSC). Also called: Tuberous Sclerosis Complex; Tuberous sclerosis. Identifiers: Orphanet 805, MedGen C0041341, MONDO:0001734.
Hereditary cancer-predisposing syndrome. Also called: Tumor predisposition; Neoplastic Syndromes, Hereditary; Hereditary Cancer Syndrome; Hereditary neoplastic syndrome. Identifiers: Orphanet 140162, MedGen C0027672, MeSH D009386, MONDO:0015356.
Tuberous sclerosis 2 (TSC2). Identifiers: Orphanet 805, MedGen C1860707, MONDO:0013199, OMIM 613254.
Isolated focal cortical dysplasia type II (FCORD2). Also called: CORTICAL DYSPLASIA OF TAYLOR; Focal cortical dysplasia type II. Identifiers: Orphanet 268994, MedGen C1846385, MONDO:0011818, OMIM 607341, HP:0032051.

Allele frequency attached by ClinVar (database versions not stated): gnomAD exomes below 0.00001.
gnomAD v4.1: 2 of 1,613,128 alleles (0.00012%); highest among the groups gnomAD compares: Non-Finnish European, 0.00017%; no homozygotes.

Submissions (5):

Ambry Genetics
Classification: Likely benign for Hereditary cancer-predisposing syndrome. Last evaluated: 2025-12-11. Review status: criteria provided, single submitter. Criteria: Ambry Variant Classification Scheme 2023. Collection method: clinical testing. Allele origin: germline.

Labcorp Genetics (formerly Invitae), Labcorp
Classification: Benign for Tuberous sclerosis 2. Last evaluated: 2025-09-30. Review status: criteria provided, single submitter. Criteria: Invitae Variant Classification Sherloc (09022015). Collection method: clinical testing. Allele origin: germline.

Color Diagnostics, LLC DBA Color Health
Classification: Uncertain significance for Tuberous sclerosis syndrome. Last evaluated: 2025-07-14. Review status: criteria provided, single submitter. Criteria: ACMG Guidelines, 2015. Collection method: clinical testing. Allele origin: germline.
Comment: This missense variant replaces isoleucine with valine at codon 610 of the TSC2 protein. Computational prediction is inconclusive regarding the impact of this variant on protein structure and function. To our knowledge, functional studies have not been reported for this variant. This variant has not been reported in individuals affected with TSC2-related disorders in the literature. This variant has been identified in 1/250232 chromosomes in the general population by the Genome Aggregation Database (gnomAD). The available evidence is insufficient to determine the role of this variant in disease conclusively. Therefore, this variant is classified as a Variant of Uncertain Significance.

Baylor Genetics
Classification: Uncertain significance for Isolated focal cortical dysplasia type II. Last evaluated: 2023-10-20. Review status: criteria provided, single submitter. Criteria: ACMG Guidelines, 2015. Collection method: clinical testing. Allele origin: unknown.

Genome-Nilou Lab
Classification: Uncertain significance for Tuberous sclerosis 2. Last evaluated: 2021-11-07. Review status: criteria provided, single submitter. Criteria: ACMG Guidelines, 2015. Collection method: clinical testing. Allele origin: germline. Affected: no.